The following is an entry in ClinVar:

NM_001854.4(COL11A1):c.3740C>G (p.Ser1247Ter)

Gene: COL11A1 (collagen type XI alpha 1 chain; minus strand). Cytogenetic location: 1p21.1.
Variant type: single nucleotide variant.
Coding change: c.3740C>G on transcript NM_001854.4 (MANE Select); coding-DNA position 3740, C replaced by G.
Protein change: p.Ser1247Ter; replaces serine 1247 with a stop codon.
Molecular consequence: nonsense. On other transcripts: non-coding transcript variant (1).
Genome position (GRCh38, 1-based): chr1:102,920,333, G>C on the plus strand (C>G on the coding strand, the complement: COL11A1 is on the minus strand). VCF-style: chr1-102920333-G-C. GRCh37 (hg19) VCF-style: chr1-103385889-G-C.
Other names: c.3740C>G (NM_001854.3); c.3623C>G, p.Ser1208Ter (NM_001190709.2); c.3776C>G, p.Ser1259Ter (NM_080629.3); c.3392C>G, p.Ser1131Ter (NM_080630.4); short protein forms S1131*, S1247*, S1208*, S1259*.
Identifiers: ClinVar variation 1457362 (VCV001457362.8), dbSNP rs1655833195, ClinGen allele CA341163765.

ClinVar aggregate classification (germline): Pathogenic/Likely pathogenic. Review status: criteria provided, multiple submitters, no conflicts (2 of 4 stars). 2 submissions from 2 submitters: Pathogenic (1); Likely pathogenic (1). Last evaluated 2026-09-06.

Submissions (2):

GeneDx
Classification: Likely pathogenic. Last evaluated: 2026-09-06. Review status: criteria provided, single submitter. Criteria: GeneDx Variant Classification Process June 2021. Collection method: clinical testing. Allele origin: germline.
Comment: Observed in a patient with a skeletal disorder; however, detailed clinical information was not provided (PMID: 38702915); Nonsense variant predicted to result in protein truncation or nonsense mediated decay in a gene for which loss of function is a known mechanism of disease; Not observed at significant frequency in large population cohorts (gnomAD); This variant is associated with the following publications: (PMID: 38702915)

Labcorp Genetics (formerly Invitae), Labcorp
Classification: Pathogenic. Last evaluated: 2024-06-13. Review status: criteria provided, single submitter. Criteria: Invitae Variant Classification Sherloc (09022015). Collection method: clinical testing. Allele origin: germline.
Comment: This sequence change creates a premature translational stop signal (p.Ser1247*) in the COL11A1 gene. It is expected to result in an absent or disrupted protein product. Loss-of-function variants in COL11A1 are known to be pathogenic (PMID: 20513134, 21035103, 23922384, 25240749, 32427345, 32756486). This variant is not present in population databases (gnomAD no frequency). This variant has not been reported in the literature in individuals affected with COL11A1-related conditions. ClinVar contains an entry for this variant (Variation ID: 1457362). For these reasons, this variant has been classified as Pathogenic.

Literature cited by the submitters: PubMed 20513134 (cited by Labcorp Genetics (formerly Invitae), Labcorp); PubMed 21035103 (cited by Labcorp Genetics (formerly Invitae), Labcorp); PubMed 23922384 (cited by Labcorp Genetics (formerly Invitae), Labcorp); PubMed 25240749 (cited by Labcorp Genetics (formerly Invitae), Labcorp); PubMed 32427345 (cited by Labcorp Genetics (formerly Invitae), Labcorp); PubMed 32756486 (cited by Labcorp Genetics (formerly Invitae), Labcorp).